The following is an entry in ClinVar:

NM_001291303.3(FAT4):c.2216A>T (p.Asn739Ile)

Gene: FAT4 (FAT atypical cadherin 4; plus strand). Cytogenetic location: 4q28.1.
Variant type: single nucleotide variant.
Coding change: c.2216A>T on transcript NM_001291303.3 (MANE Select); coding-DNA position 2216, A replaced by T.
Protein change: p.Asn739Ile; replaces asparagine 739 with isoleucine.
Molecular consequence: missense variant.
Genome position (GRCh38, 1-based): chr4:125,318,627, A>T. VCF-style: chr4-125318627-A-T. GRCh37 (hg19) VCF-style: chr4-126239782-A-T.
Other names: c.2216A>T, p.Asn739Ile (NM_001291285.3, NM_024582.6); c.2216A>T (NM_024582.5); short protein forms N739I.
Identifiers: ClinVar variation 1200220 (VCV001200220.14), dbSNP rs200512777, ClinGen allele CA3072129.

ClinVar aggregate classification (germline): Uncertain significance. Review status: criteria provided, multiple submitters, no conflicts (2 of 4 stars). 5 submissions from 5 submitters: Uncertain significance (5). Last evaluated 2024-08-12.

Conditions:
Van Maldergem syndrome 2 (VMLDS2). Identifiers: Orphanet 314679, MedGen C3809875, MONDO:0014242, OMIM 615546.
Hennekam lymphangiectasia-lymphedema syndrome 2 (HKLLS2). Identifiers: Orphanet 2136, MedGen C4014939, MONDO:0014454, OMIM 616006.
Inborn genetic diseases. Identifiers: MedGen C0950123, MeSH D030342.

gnomAD v4.1: 91 of 1,614,076 alleles (0.0056%); highest among the groups gnomAD compares: Non-Finnish European, 0.0074%; no homozygotes.

Submissions (5):

Labcorp Genetics (formerly Invitae), Labcorp
Classification: Uncertain significance. Last evaluated: 2024-08-12. Review status: criteria provided, single submitter. Criteria: Invitae Variant Classification Sherloc (09022015). Collection method: clinical testing. Allele origin: germline.
Comment: This sequence change replaces asparagine, which is neutral and polar, with isoleucine, which is neutral and non-polar, at codon 739 of the FAT4 protein (p.Asn739Ile). This variant is present in population databases (rs200512777, gnomAD 0.009%). This variant has not been reported in the literature in individuals affected with FAT4-related conditions. ClinVar contains an entry for this variant (Variation ID: 1200220). Advanced modeling of protein sequence and biophysical properties (such as structural, functional, and spatial information, amino acid conservation, physicochemical variation, residue mobility, and thermodynamic stability) performed at Invitae indicates that this missense variant is expected to disrupt FAT4 protein function with a positive predictive value of 80%. In summary, the available evidence is currently insufficient to determine the role of this variant in disease. Therefore, it has been classified as a Variant of Uncertain Significance.

Ambry Genetics
Classification: Uncertain significance for Inborn genetic diseases. Last evaluated: 2024-05-29. Review status: criteria provided, single submitter. Criteria: Ambry Variant Classification Scheme 2023. Collection method: clinical testing. Allele origin: germline.

Fulgent Genetics
Classification: Uncertain significance for Van Maldergem syndrome 2; Hennekam lymphangiectasia-lymphedema syndrome 2. Last evaluated: 2024-01-22. Review status: criteria provided, single submitter. Criteria: ACMG Guidelines, 2015. Collection method: clinical testing. Allele origin: germline.

Revvity Omics, Revvity
Classification: Uncertain significance. Last evaluated: 2023-07-29. Review status: criteria provided, single submitter. Criteria: ACMG Guidelines, 2015. Collection method: clinical testing. Allele origin: germline.

GeneDx
Classification: Uncertain significance. Last evaluated: 2019-05-02. Review status: criteria provided, single submitter. Criteria: GeneDx Variant Classification Process June 2021. Collection method: clinical testing. Allele origin: germline. Affected: yes.
Comment: Not observed at a significant frequency in large population cohorts (Lek et al., 2016); In silico analysis, which includes protein predictors and evolutionary conservation, supports a deleterious effect; Has not been previously published as pathogenic or benign to our knowledge